The following is an entry in ClinVar:

ClinVar aggregate classification (germline): Uncertain significance. Review status: criteria provided, multiple submitters, no conflicts (2 of 4 stars). 3 submissions from 3 submitters: Uncertain significance (3). Last evaluated 2020-02-11.

Conditions:
Familial adenomatous polyposis 1 (FAP1). Also called: FAMILIAL ADENOMATOUS POLYPOSIS 1, ATTENUATED; POLYPOSIS, ADENOMATOUS INTESTINAL. Identifiers: MedGen C2713442, MONDO:0021056, OMIM 175100. Disease mechanism: loss of function.
Hereditary cancer-predisposing syndrome. Also called: Tumor predisposition; Hereditary Cancer Syndrome; Hereditary neoplastic syndrome; Neoplastic Syndromes, Hereditary. Identifiers: Orphanet 140162, MedGen C0027672, MeSH D009386, MONDO:0015356.

Allele frequency attached by ClinVar (database versions not stated): TOPMed 0.00001.

Submissions (3):

Labcorp Genetics (formerly Invitae), Labcorp
Classification: Uncertain significance for Familial adenomatous polyposis 1. Last evaluated: 2020-02-11. Review status: criteria provided, single submitter. Criteria: Invitae Variant Classification Sherloc (09022015). Collection method: clinical testing. Allele origin: germline.
Comment: Algorithms developed to predict the effect of missense changes on protein structure and function (SIFT, PolyPhen-2, Align-GVGD) all suggest that this variant is likely to be tolerated, but these predictions have not been confirmed by published functional studies. This variant is not present in population databases (ExAC no frequency) and has not been reported in the literature in individuals with a APC-related disease. This sequence change replaces glutamine with lysine at codon 2154 of the APC protein (p.Gln2154Lys). The glutamine residue is highly conserved and there is a small physicochemical difference between glutamine and lysine. In summary, this variant is a novel missense change that is not predicted to affect protein function. There is no indication that it causes disease, but the available evidence is currently insufficient to prove that conclusively. Therefore, it has been classified as a Variant of Uncertain Significance.

Ambry Genetics
Classification: Uncertain significance for Hereditary cancer-predisposing syndrome. Last evaluated: 2020-01-20. Review status: criteria provided, single submitter. Criteria: Ambry Variant Classification Scheme 2023. Collection method: clinical testing. Allele origin: germline.
Comment: The p.Q2154K variant (also known as c.6460C>A), located in coding exon 15 of the APC gene, results from a C to A substitution at nucleotide position 6460. The glutamine at codon 2154 is replaced by lysine, an amino acid with similar properties. This amino acid position is well conserved in available vertebrate species. In addition, in silico predictors for this gene do not accurately predict pathogenicity. Since supporting evidence is limited at this time, the clinical significance of this alteration remains unclear.

Mendelics
Classification: Uncertain significance for Familial adenomatous polyposis 1. Last evaluated: 2018-07-02. Review status: criteria provided, single submitter. Criteria: Mendelics Assertion Criteria 2017. Collection method: clinical testing. Allele origin: unknown.

NM_000038.6(APC):c.6460C>A (p.Gln2154Lys)

Gene: APC (APC regulator of Wnt signaling pathway; plus strand). Cytogenetic location: 5q22.2.
Variant type: single nucleotide variant.
Coding change: c.6460C>A on transcript NM_000038.6 (MANE Select); coding-DNA position 6460, C replaced by A.
Protein change: p.Gln2154Lys; replaces glutamine 2154 with lysine.
Molecular consequence: missense variant.
Genome position (GRCh38, 1-based): chr5:112,842,054, C>A. VCF-style: chr5-112842054-C-A. GRCh37 (hg19) VCF-style: chr5-112177751-C-A.
Other names: c.6460C>A, p.Gln2154Lys (NM_001127510.3, NM_001354895.2); c.6406C>A, p.Gln2136Lys (NM_001127511.3); c.6514C>A, p.Gln2172Lys (NM_001354896.2); c.6490C>A, p.Gln2164Lys (NM_001354897.2); c.6385C>A, p.Gln2129Lys (NM_001354898.2); c.6376C>A, p.Gln2126Lys (NM_001354899.2); c.6337C>A, p.Gln2113Lys (NM_001354900.2); c.6283C>A, p.Gln2095Lys (NM_001354901.2); and 5 more; short protein forms Q2154K, Q2136K, Q1871K, Q1994K, Q2063K, Q2164K, Q2095K, Q2113K.
Identifiers: ClinVar variation 411390 (VCV000411390.15), dbSNP rs1003613894, ClinGen allele CA16035464.